The following is an entry in ClinVar:

NM_001165963.4(SCN1A):c.2946+77A>G

Gene: SCN1A (sodium voltage-gated channel alpha subunit 1; minus strand). Cytogenetic location: 2q24.3.
Variant type: single nucleotide variant.
Coding change: c.2946+77A>G on transcript NM_001165963.4 (MANE Select); 77 bases into the intron after coding-DNA position 2946, A replaced by G.
Molecular consequence: intron variant.
Genome position (GRCh38, 1-based): chr2:166,037,699, T>C on the plus strand (A>G on the coding strand, the complement: SCN1A is on the minus strand). VCF-style: chr2-166037699-T-C. GRCh37 (hg19) VCF-style: chr2-166894209-T-C.
Other names: c.2913+77A>G (NM_001353949.2, NM_001353950.2, NM_001353951.2 and 2 more transcripts); c.2862+77A>G (NM_001353958.2, NM_001353957.2, NM_001165964.3); c.2946+77A>G (NM_001202435.3, NM_001353948.2); c.2910+77A>G (NM_001353955.2, NM_001353954.2); c.2859+77A>G (NM_001353960.2); c.504+77A>G (NM_001353961.2).
Identifiers: ClinVar variation 670787 (VCV000670787.2), dbSNP rs116647099, ClinGen allele CA59788395.

ClinVar aggregate classification (germline): Likely benign. Review status: criteria provided, multiple submitters, no conflicts (2 of 4 stars). 2 submissions from 2 submitters: Likely benign (2). Last evaluated 2018-06-14.

Allele frequency attached by ClinVar (database versions not stated): 1000 Genomes Project 0.01418; 1000 Genomes Project 30x 0.01468; gnomAD 0.02406 and 0.02481; TOPMed 0.02554.
gnomAD v4.1: 38,587 of 1,252,996 alleles (3.1%); highest among the groups gnomAD compares: Non-Finnish European, 3.7%; 746 homozygotes.

Submissions (2):

GeneDx
Classification: Likely benign. Last evaluated: 2018-06-14. Review status: criteria provided, single submitter. Criteria: GeneDx Variant Classification (06012015). Collection method: clinical testing. Allele origin: germline. Affected: yes.
Comment: This variant is considered likely benign or benign based on one or more of the following criteria: it is a conservative change, it occurs at a poorly conserved position in the protein, it is predicted to be benign by multiple in silico algorithms, and/or has population frequency not consistent with disease.

Breakthrough Genomics
Classification: Likely benign. Review status: criteria provided, single submitter. Criteria: ACMG Guidelines, 2015. Collection method: not provided. Allele origin: germline. Inheritance: Autosomal dominant inheritance. Affected: yes.